The following is an entry in ClinVar:

NM_001256789.3(CACNA1F):c.3145C>T (p.Arg1049Trp)

Gene: CACNA1F (calcium voltage-gated channel subunit alpha1 F; minus strand). Cytogenetic location: Xp11.23.
Variant type: single nucleotide variant.
Coding change: c.3145C>T on transcript NM_001256789.3 (MANE Select); coding-DNA position 3145, C replaced by T.
Protein change: p.Arg1049Trp; replaces arginine 1049 with tryptophan.
Molecular consequence: missense variant.
Genome position (GRCh38, 1-based): chrX:49,216,473, G>A on the plus strand (C>T on the coding strand, the complement: CACNA1F is on the minus strand). VCF-style: chrX-49216473-G-A. GRCh37 (hg19) VCF-style: chrX-49072933-G-A.
Other names: c.2983C>T, p.Arg995Trp (NM_001256790.3); c.3178C>T, p.Arg1060Trp (NM_005183.4); c.3178C>T (NM_005183.2); short protein forms R995W, R1060W, R1049W.
Identifiers: ClinVar variation 1410454 (VCV001410454.8), dbSNP rs2147904860, ClinGen allele CA412964056.

ClinVar aggregate classification (germline): Conflicting classifications of pathogenicity. Review status: criteria provided, conflicting classifications (1 of 4 stars). 3 submissions from 3 submitters: Likely pathogenic (2); Uncertain significance (1). Last evaluated 2023-09-18.

Conditions:
CACNA1F-related disorder. Also called: CACNA1F-related condition.

gnomAD v4.1: 2 of 1,206,043 alleles (0.00017%); highest among the groups gnomAD compares: Non-Finnish European, 0.00022%; no homozygotes.

Submissions (3):

GeneDx
Classification: Likely pathogenic. Last evaluated: 2023-09-18. Review status: criteria provided, single submitter. Criteria: GeneDx Variant Classification Process June 2021. Collection method: clinical testing. Allele origin: germline. Affected: yes.
Comment: Published functional studies demonstrate a damaging effect to channel currents (Peloquin JB et al., 2007); In silico analysis supports that this missense variant has a deleterious effect on protein structure/function; Not observed at significant frequency in large population cohorts (gnomAD); This variant is associated with the following publications: (PMID: 33110267, 9662399, 36460718, 28373534, 17949918)

Labcorp Genetics (formerly Invitae), Labcorp
Classification: Uncertain significance. Last evaluated: 2022-10-18. Review status: criteria provided, single submitter. Criteria: Invitae Variant Classification Sherloc (09022015). Collection method: clinical testing. Allele origin: germline.
Comment: ClinVar contains an entry for this variant (Variation ID: 1410454). Advanced modeling of protein sequence and biophysical properties (such as structural, functional, and spatial information, amino acid conservation, physicochemical variation, residue mobility, and thermodynamic stability) performed at Invitae indicates that this missense variant is expected to disrupt CACNA1F protein function. In summary, the available evidence is currently insufficient to determine the role of this variant in disease. Therefore, it has been classified as a Variant of Uncertain Significance. Experimental studies have shown that this missense change affects CACNA1F function (PMID: 17949918). This sequence change replaces arginine, which is basic and polar, with tryptophan, which is neutral and slightly polar, at codon 1060 of the CACNA1F protein (p.Arg1060Trp). This variant is also known as 3145C→T, R1049W. This missense change has been observed in individual(s) with congenital stationary night blindness and/or high myopia (PMID: 9662399, 28373534). This variant is not present in population databases (gnomAD no frequency).

Blueprint Genetics
Classification: Likely pathogenic for CACNA1F-related disorders. Last evaluated: 2022-02-22. Review status: criteria provided, single submitter. Criteria: ACMG Guidelines, 2015. Collection method: clinical testing. Allele origin: germline. Affected: yes. Observed: 2 variant alleles.

Literature cited by the submitters: PubMed 17949918 (cited by Labcorp Genetics (formerly Invitae), Labcorp); PubMed 9662399 (cited by Labcorp Genetics (formerly Invitae), Labcorp); PubMed 28373534 (cited by Labcorp Genetics (formerly Invitae), Labcorp).